The following is an entry in ClinVar:

NM_014946.4(SPAST):c.1313T>C (p.Ile438Thr)

Gene: SPAST (spastin; plus strand). Cytogenetic location: 2p22.3.
Variant type: single nucleotide variant.
Coding change: c.1313T>C on transcript NM_014946.4 (MANE Select); coding-DNA position 1313, T replaced by C.
Protein change: p.Ile438Thr; replaces isoleucine 438 with threonine.
Molecular consequence: missense variant.
Genome position (GRCh38, 1-based): chr2:32,136,630, T>C. VCF-style: chr2-32136630-T-C. GRCh37 (hg19) VCF-style: chr2-32361699-T-C.
Other names: p.Ile438Thr; c.1310T>C, p.Ile437Thr (NM_001363823.2); c.1217T>C, p.Ile406Thr (NM_199436.2, NM_001377959.1); c.1214T>C, p.Ile405Thr (NM_001363875.2); short protein forms I405T, I406T, I437T, I438T.
Identifiers: ClinVar variation 1334135 (VCV001334135.2), dbSNP rs2148753712, ClinGen allele CA346502124.

ClinVar aggregate classification (germline): Uncertain significance (0 of 4 stars; one submission).

Conditions:
Hereditary spastic paraplegia 4. Also called: Spastic Paraplegia 4; Familial spastic paraplegia autosomal dominant 2; Spastic paraplegia 4, autosomal dominant. Identifiers: Orphanet 100985, MedGen C1866855, MONDO:0008438, OMIM 182601.

Submission:

Genesis Genoma Lab
Classification: Uncertain significance for Hereditary spastic paraplegia 4. Last evaluated: 2022-01-14. Review status: no assertion criteria provided. Collection method: clinical testing. Allele origin: germline. Affected: yes. Observed: 1 heterozygote.
Comment: It is not included in gnomAD database, nor has it been reported in patients affected with spastic paraplegia in the scientific literature so far. The variant is located in the critical functional domain "AAA casette", where most clinically relevant missense mutations of SPAST gene are located and 12 in silico pathogenicity prediction programms predict a pathogenic effected on the respective protein.